The following is an entry in ClinVar:

ClinVar aggregate classification (germline): Uncertain significance. Review status: criteria provided, multiple submitters, no conflicts (2 of 4 stars). 2 submissions from 2 submitters: Uncertain significance (2). Last evaluated 2025-09-28.

Conditions:
Inborn genetic diseases. Identifiers: MedGen C0950123, MeSH D030342.

Allele frequency attached by ClinVar (database versions not stated): gnomAD 0.00003 and 0.00004; TOPMed 0.00003; ExAC 0.00004; gnomAD exomes 0.00006.
gnomAD v4.1: 148 of 1,573,284 alleles (0.0094%); highest among the groups gnomAD compares: Admixed American, 0.013%; no homozygotes.

Submissions (2):

GeneDx
Classification: Uncertain significance. Last evaluated: 2025-09-28. Review status: criteria provided, single submitter. Criteria: GeneDx Variant Classification Process June 2021. Collection method: clinical testing. Allele origin: germline. Affected: yes.
Comment: Has not been previously published as pathogenic or benign to our knowledge; In silico analysis suggests that this missense variant does not alter protein structure/function

Ambry Genetics
Classification: Uncertain significance for Inborn genetic diseases. Last evaluated: 2025-04-19. Review status: criteria provided, single submitter. Criteria: Ambry Variant Classification Scheme 2023. Collection method: clinical testing. Allele origin: germline.

NM_006907.4(PYCR1):c.599G>A (p.Arg200His)

Gene: PYCR1 (pyrroline-5-carboxylate reductase 1; minus strand). Cytogenetic location: 17q25.3.
Variant type: single nucleotide variant.
Coding change: c.599G>A on transcript NM_006907.4 (MANE Select); coding-DNA position 599, G replaced by A.
Protein change: p.Arg200His; replaces arginine 200 with histidine.
Molecular consequence: missense variant. On other transcripts: intron variant (1).
Genome position (GRCh38, 1-based): chr17:81,934,687, C>T on the plus strand (G>A on the coding strand, the complement: PYCR1 is on the minus strand). VCF-style: chr17-81934687-C-T. GRCh37 (hg19) VCF-style: chr17-79892563-C-T.
Other names: c.599G>A, p.Arg200His (NM_001282280.2, NM_001330523.2, NM_153824.3); c.680G>A, p.Arg227His (NM_001282281.2); c.541-198G>A (NM_001282279.2); short protein forms R200H, R227H.
Identifiers: ClinVar variation 1313561 (VCV001313561.4), dbSNP rs768510869, ClinGen allele CA8845375.